The following is an entry in ClinVar:

ClinVar aggregate classification (germline): Uncertain significance (1 of 4 stars; one submission).

Conditions:
Hereditary cancer-predisposing syndrome. Also called: Neoplastic Syndromes, Hereditary; Tumor predisposition; Hereditary neoplastic syndrome; Hereditary Cancer Syndrome. Identifiers: Orphanet 140162, MedGen C0027672, MeSH D009386, MONDO:0015356.

Submission:

Ambry Genetics
Classification: Uncertain significance for Hereditary cancer-predisposing syndrome. Last evaluated: 2022-11-23. Review status: criteria provided, single submitter. Criteria: Ambry Variant Classification Scheme 2023. Collection method: clinical testing. Allele origin: germline.
Comment: The p.K873Q variant (also known as c.2617A>C), located in coding exon 12 of the BLM gene, results from an A to C substitution at nucleotide position 2617. The lysine at codon 873 is replaced by glutamine, an amino acid with similar properties. This amino acid position is conserved. In addition, this alteration is predicted to be tolerated by in silico analysis. Since supporting evidence is limited at this time, the clinical significance of this alteration remains unclear.

NM_000057.4(BLM):c.2617A>C (p.Lys873Gln)

Gene: BLM (BLM RecQ like helicase; plus strand). Cytogenetic location: 15q26.1.
Variant type: single nucleotide variant.
Coding change: c.2617A>C on transcript NM_000057.4 (MANE Select); coding-DNA position 2617, A replaced by C.
Protein change: p.Lys873Gln; replaces lysine 873 with glutamine.
Molecular consequence: missense variant.
Genome position (GRCh38, 1-based): chr15:90,782,883, A>C. VCF-style: chr15-90782883-A-C. GRCh37 (hg19) VCF-style: chr15-91326113-A-C.
Other names: c.2617A>C, p.Lys873Gln (NM_001287246.2, NM_001287247.2); c.1492A>C, p.Lys498Gln (NM_001287248.2); short protein forms K498Q, K873Q.
Identifiers: ClinVar variation 2452537 (VCV002452537.2), dbSNP rs2151178110, ClinGen allele CA393845724.